The following is an entry in ClinVar:

NM_032830.3(UTP4):c.98T>C (p.Val33Ala)

Gene: UTP4 (UTP4 small subunit processome component). Cytogenetic location: 16q22.1.
Variant type: single nucleotide variant.
Coding change: c.98T>C on transcript NM_032830.3 (MANE Select); coding-DNA position 98, T replaced by C.
Protein change: p.Val33Ala; replaces valine 33 with alanine.
Molecular consequence: missense variant. On other transcripts: 5 prime UTR variant (1).
Genome position (GRCh38, 1-based): chr16:69,133,557, T>C. VCF-style: chr16-69133557-T-C. GRCh37 (hg19) VCF-style: chr16-69167460-T-C.
Other names: c.-152T>C (NM_001318391.2); short protein forms V33A.
Identifiers: ClinVar variation 2779242 (VCV002779242.3), dbSNP rs74886292, ClinGen allele CA396491570.

ClinVar aggregate classification (germline): Uncertain significance (1 of 4 stars; one submission).

Allele frequency attached by ClinVar (database versions not stated): gnomAD exomes below 0.00001; gnomAD 0.00001.
gnomAD v4.1: 3 of 1,613,870 alleles (0.00019%); highest among the groups gnomAD compares: Admixed American, 0.0017%; no homozygotes.

Submission:

Labcorp Genetics (formerly Invitae), Labcorp
Classification: Uncertain significance. Last evaluated: 2023-07-17. Review status: criteria provided, single submitter. Criteria: Invitae Variant Classification Sherloc (09022015). Collection method: clinical testing. Allele origin: germline.
Comment: In summary, the available evidence is currently insufficient to determine the role of this variant in disease. Therefore, it has been classified as a Variant of Uncertain Significance. Advanced modeling of protein sequence and biophysical properties (such as structural, functional, and spatial information, amino acid conservation, physicochemical variation, residue mobility, and thermodynamic stability) performed at Invitae indicates that this missense variant is not expected to disrupt UTP4 protein function. This variant has not been reported in the literature in individuals affected with UTP4-related conditions. This variant is not present in population databases (gnomAD no frequency). This sequence change replaces valine, which is neutral and non-polar, with alanine, which is neutral and non-polar, at codon 33 of the UTP4 protein (p.Val33Ala).